The following is an entry in ClinVar:

ClinVar aggregate classification (germline): Pathogenic (1 of 4 stars; one submission).

Conditions:
Neurodevelopmental disorder with hypotonia, language delay, and skeletal defects with or without seizures (NEDHLSS). Identifiers: MedGen C5774213, MONDO:0859286, OMIM 620029.

Submission:

Victorian Clinical Genetics Services, Murdoch Childrens Research Institute
Classification: Pathogenic for Neurodevelopmental disorder with hypotonia, language delay, and skeletal defects with or without seizures. Last evaluated: 2025-11-12. Review status: criteria provided, single submitter. Criteria: ACMG Guidelines, 2015. Collection method: clinical testing. Allele origin: germline. Affected: yes.
Comment: This variant is classified as Pathogenic. Evidence in support of pathogenic classification: Variant is predicted to cause nonsense-mediated decay (NMD) and loss of protein (premature termination codon is located at least 54 nucleotides upstream of the final exon-exon junction); Variant is absent from gnomAD (v2, v3 and v4); Other NMD predicted variants comparable to the one identified in this case have very strong previous evidence for pathogenicity (DECIPHER, PMID: 34163037). Additional information: This variant is heterozygous; This gene is associated with autosomal dominant disease; Loss of function and gain of function are known mechanisms of disease in this gene. Loss-of-function variants are associated with neurodevelopmental disorder with hypotonia, language delay, and skeletal defects with or without seizures (MIM#620029) (PMID: 34163037). Gain-of-function missense variants result in loss of channel inactivation and increased current, and are associated with long QT syndrome 8 (MIM#618447) and Timothy syndrome (MIM#601005, PMID: 25260352). (I)0107 - This gene is associated with autosomal dominant disease; Variants in this gene are known to have variable expressivity. Parents with the same variant as their affected child have been observed to have a less severe phenotype (PMID: 34163037).

Literature cited by the submitters: PubMed 25260352; PubMed 34163037.

NM_000719.7(CACNA1C):c.1159dup (p.Thr387fs)

Gene: CACNA1C (calcium voltage-gated channel subunit alpha1 C; plus strand). Cytogenetic location: 12p13.33.
Variant type: Duplication.
Coding change: c.1159dup on transcript NM_000719.7 (MANE Select); coding-DNA position 1159, one base duplicated (A; older notation c.1159dupA).
Protein change: p.Thr387fs; shifts the reading frame from threonine 387.
Molecular consequence: frameshift variant. On other transcripts: intron variant (4).
Genome position (GRCh38, 1-based): chr12:2,504,887, A duplicated. VCF-style (leftmost placement, unchanged base first): chr12-2504886-T-TA. GRCh37 (hg19) VCF-style: chr12-2614052-T-TA.
Other names: c.1159dup, p.Thr387fs (NM_001129827.2, NM_001129829.2, NM_001129830.3 and 14 more transcripts); c.1150dup, p.Thr384fs (NM_001129844.2); c.1217+348dup (NM_001167624.3, NM_001167623.2, NM_001167625.2 and 1 more transcripts); short protein forms T384fs, T387fs.
Identifiers: ClinVar variation 1699036 (VCV001699036.4), dbSNP rs2154577568, ClinGen allele CA2573130269.
Genomic context (GRCh38, chr12:2,504,886, plus strand): 5'-CATTCCGTTCTTCCAGGTCAATGATGCCGTAGGAAGGGACTGGCCCTGGATCTATTTTGT[T>TA]ACACTAATCATCATAGGGTCATTTTTTGTACTTAACTTGGTTCTCGGTGTGCTTAGCGGG-3'